The following is an entry in ClinVar:

ClinVar aggregate classification (germline): Uncertain significance (1 of 4 stars; one submission).

Submission:

Labcorp Genetics (formerly Invitae), Labcorp
Classification: Uncertain significance. Last evaluated: 2025-03-10. Review status: criteria provided, single submitter. Criteria: Invitae Variant Classification Sherloc (09022015). Collection method: clinical testing. Allele origin: germline.
Comment: This sequence change replaces leucine, which is neutral and non-polar, with phenylalanine, which is neutral and non-polar, at codon 1325 of the ASXL1 protein (p.Leu1325Phe). Information on the frequency of this variant in the gnomAD database is not available, as this variant may be reported differently in the database. This variant has not been reported in the literature in individuals affected with ASXL1-related conditions. ClinVar contains an entry for this variant (Variation ID: 1450166). Experimental studies and prediction algorithms are not available or were not evaluated, and the functional significance of this variant is currently unknown. In summary, the available evidence is currently insufficient to determine the role of this variant in disease. Therefore, it has been classified as a Variant of Uncertain Significance.

NM_015338.6(ASXL1):c.3972_3973delinsCT (p.Leu1325Phe)

Gene: ASXL1 (ASXL transcriptional regulator 1; plus strand). Cytogenetic location: 20q11.21.
Variant type: Indel.
Coding change: c.3972_3973delinsCT on transcript NM_015338.6 (MANE Select); coding-DNA positions 3972 to 3973, TC replaced by CT.
Protein change: p.Leu1325Phe; replaces leucine 1325 with phenylalanine.
Molecular consequence: missense variant.
Genome position (GRCh38, 1-based): chr20:32,436,684-32,436,685, TC replaced by CT. VCF-style: chr20-32436684-TC-CT. GRCh37 (hg19) VCF-style: chr20-31024487-TC-CT.
Other names: c.3789_3790delinsCT, p.Leu1264Phe (NM_001363734.1); short protein forms L1264F, L1325F.
Identifiers: ClinVar variation 1450166 (VCV001450166.6), dbSNP rs2145390641, ClinGen allele CA2573156975.